The following is an entry in ClinVar:

NM_000037.4(ANK1):c.428_431del

Genes: ANK1 (ankyrin 1; minus strand), LOC124153154 (Sharpr-MPRA regulatory region 1462; plus strand). Cytogenetic location: 8p11.21.
Variant type: Deletion.
Coding change: c.428_431del on transcript NM_000037.4 (MANE Select); coding-DNA positions 428 to 431, 4 bases deleted (ACGG; older notation c.428_431delACGG).
Molecular consequence: splice acceptor variant.
Genome position (GRCh38, 1-based): chr8:41,725,942-41,725,945, CCGT deleted on the plus strand (ACGG on the coding strand, the reverse complement: ANK1 is on the minus strand); deleting any 4 consecutive bases within chr8:41,725,942-41,725,947 gives the same sequence; the c. name uses the placement nearest the transcript's 3' end. VCF-style (leftmost placement, unchanged base first): chr8-41725941-GCCGT-G. GRCh37 (hg19) VCF-style: chr8-41583459-GCCGT-G.
Other names: p.Asp143Alafs*7.
Identifiers: ClinVar variation 3381044 (VCV003381044.1).

ClinVar aggregate classification (germline): Likely pathogenic (1 of 4 stars; one submission).

Submission:

Mayo Clinic Laboratories, Mayo Clinic
Classification: Likely pathogenic. Last evaluated: 2024-01-30. Review status: criteria provided, single submitter. Criteria: ACMG Guidelines, 2015. Collection method: clinical testing. Allele origin: germline. Observed: 1 variant allele.
Comment: PM2_moderate, PVS1